The following is an entry in ClinVar:

NM_173076.3(ABCA12):c.244T>C (p.Cys82Arg)

Gene: ABCA12 (ATP binding cassette subfamily A member 12; minus strand). Cytogenetic location: 2q35.
Variant type: single nucleotide variant.
Coding change: c.244T>C on transcript NM_173076.3 (MANE Select); coding-DNA position 244, T replaced by C.
Protein change: p.Cys82Arg; replaces cysteine 82 with arginine.
Molecular consequence: missense variant. On other transcripts: non-coding transcript variant (1).
Genome position (GRCh38, 1-based): chr2:215,064,139, A>G on the plus strand (T>C on the coding strand, the complement: ABCA12 is on the minus strand). VCF-style: chr2-215064139-A-G. GRCh37 (hg19) VCF-style: chr2-215928862-A-G.
Other names: short protein forms C82R.
Identifiers: ClinVar variation 4800344 (VCV004800344.1).

ClinVar aggregate classification (germline): Uncertain significance (1 of 4 stars; one submission).

gnomAD v4.1: 1 of 1,612,970 alleles (0.000062%); highest among the groups gnomAD compares: South Asian, 0.0011%; no homozygotes.

Submission:

Labcorp Genetics (formerly Invitae), Labcorp
Classification: Uncertain significance. Last evaluated: 2025-04-30. Review status: criteria provided, single submitter. Criteria: Invitae Variant Classification Sherloc (09022015). Collection method: clinical testing. Allele origin: germline.
Comment: This sequence change replaces cysteine, which is neutral and slightly polar, with arginine, which is basic and polar, at codon 82 of the ABCA12 protein (p.Cys82Arg). This variant is not present in population databases (gnomAD no frequency). This variant has not been reported in the literature in individuals affected with ABCA12-related conditions. Invitae Evidence Modeling of protein sequence and biophysical properties (such as structural, functional, and spatial information, amino acid conservation, physicochemical variation, residue mobility, and thermodynamic stability) indicates that this missense variant is expected to disrupt ABCA12 protein function with a positive predictive value of 95%. In summary, the available evidence is currently insufficient to determine the role of this variant in disease. Therefore, it has been classified as a Variant of Uncertain Significance.